The following is an entry in ClinVar:

ClinVar aggregate classification (germline): Conflicting classifications of pathogenicity. Review status: criteria provided, conflicting classifications (1 of 4 stars). 7 submissions from 7 submitters: Uncertain significance (3); Likely benign (4). Last evaluated 2026-09-01.

Conditions:
Inborn genetic diseases. Identifiers: MedGen C0950123, MeSH D030342.
Hereditary spastic paraplegia 11. Also called: Spastic Paraplegia 11; Spastic paraplegia, mental retardation and thin corpus callosum; Autosomal recessive hereditary spastic paraplegia, mental impairment, and thin corpus callosum; SPASTIC PARAPLEGIA, AUTOSOMAL RECESSIVE, COMPLICATED, WITH THIN CORPUS CALLOSUM; SPASTIC PARAPLEGIA, AUTOSOMAL RECESSIVE, WITH MENTAL IMPAIRMENT AND THIN CORPUS CALLOSUM; Nakamura Osame syndrome. Identifiers: Orphanet 2822, MedGen C1858479, MONDO:0011445, OMIM 604360.

Allele frequency attached by ClinVar (database versions not stated): gnomAD 0.00014 and 0.00029; ESP Exome Variant Server 0.00015; TOPMed 0.00022; 1000 Genomes Project 30x 0.00031; 1000 Genomes Project 0.00040; gnomAD exomes 0.00063; ExAC 0.00065.
gnomAD v4.1: 528 of 1,613,814 alleles (0.033%); highest among the groups gnomAD compares: South Asian, 0.37%; 6 homozygotes.

Submissions (7):

CeGaT Center for Human Genetics Tuebingen
Classification: Likely benign. Last evaluated: 2026-09-01. Review status: criteria provided, single submitter. Criteria: CeGaT Center For Human Genetics Tuebingen Variant Classification Criteria Version 2. Collection method: clinical testing. Allele origin: germline. Affected: yes. Observed: 4 variant alleles.
Comment: SPG11: BP1, BS2

Labcorp Genetics (formerly Invitae), Labcorp
Classification: Likely benign for Hereditary spastic paraplegia 11. Last evaluated: 2026-01-22. Review status: criteria provided, single submitter. Criteria: Invitae Variant Classification Sherloc (09022015). Collection method: clinical testing. Allele origin: germline.

Mayo Clinic Laboratories, Mayo Clinic
Classification: Uncertain significance. Last evaluated: 2024-12-19. Review status: criteria provided, single submitter. Criteria: ACMG Guidelines, 2015. Collection method: clinical testing. Allele origin: germline. Observed: 2 variant alleles.
Comment: BS1

Blueprint Genetics
Classification: Uncertain significance. Last evaluated: 2024-10-15. Review status: criteria provided, single submitter. Criteria: ACMG Guidelines, 2015. Collection method: clinical testing. Allele origin: germline.

Ambry Genetics
Classification: Likely benign for Inborn genetic diseases. Last evaluated: 2020-01-30. Review status: criteria provided, single submitter. Criteria: Ambry Variant Classification Scheme 2023. Collection method: clinical testing. Allele origin: germline.

GeneDx
Classification: Likely benign. Last evaluated: 2019-11-06. Review status: criteria provided, single submitter. Criteria: GeneDx Variant Classification Process June 2021. Collection method: clinical testing. Allele origin: germline. Affected: yes.
Comment: Missense variant in a gene in which most reported pathogenic variants are truncating/loss-of-function

Illumina Laboratory Services, Illumina
Classification: Uncertain significance for Hereditary spastic paraplegia 11. Last evaluated: 2018-01-13. Review status: criteria provided, single submitter. Criteria: ICSL Variant Classification Criteria 13 December 2019. Collection method: clinical testing. Allele origin: germline.

Literature cited by the submitters: PubMed 35896380 (cited by Mayo Clinic Laboratories, Mayo Clinic).

NM_025137.4(SPG11):c.6877C>T (p.Arg2293Trp)

Gene: SPG11 (SPG11 vesicle trafficking associated, spatacsin; minus strand). Cytogenetic location: 15q21.1.
Variant type: single nucleotide variant.
Coding change: c.6877C>T on transcript NM_025137.4 (MANE Select); coding-DNA position 6877, C replaced by T.
Protein change: p.Arg2293Trp; replaces arginine 2293 with tryptophan.
Molecular consequence: missense variant.
Genome position (GRCh38, 1-based): chr15:44,565,976, G>A on the plus strand (C>T on the coding strand, the complement: SPG11 is on the minus strand). VCF-style: chr15-44565976-G-A. GRCh37 (hg19) VCF-style: chr15-44858174-G-A.
Other names: p.Arg2293Trp; c.6538C>T, p.Arg2180Trp (NM_001160227.2); short protein forms R2293W, R2180W.
Identifiers: ClinVar variation 316078 (VCV000316078.55), dbSNP rs151317653, ClinGen allele CA7533963.